The following is an entry in ClinVar:

NM_020461.4(TUBGCP6):c.1304G>A (p.Gly435Asp)

Gene: TUBGCP6 (tubulin gamma complex component 6; minus strand). Cytogenetic location: 22q13.33.
Variant type: single nucleotide variant.
Coding change: c.1304G>A on transcript NM_020461.4 (MANE Select); coding-DNA position 1304, G replaced by A.
Protein change: p.Gly435Asp; replaces glycine 435 with aspartic acid.
Molecular consequence: missense variant.
Genome position (GRCh38, 1-based): chr22:50,228,015, C>T on the plus strand (G>A on the coding strand, the complement: TUBGCP6 is on the minus strand). VCF-style: chr22-50228015-C-T. GRCh37 (hg19) VCF-style: chr22-50666444-C-T.
Other names: short protein forms G435D.
Identifiers: ClinVar variation 212505 (VCV000212505.12), dbSNP rs368378157, ClinGen allele CA206832.

ClinVar aggregate classification (germline): Uncertain significance. Review status: criteria provided, multiple submitters, no conflicts (2 of 4 stars). 3 submissions from 3 submitters: Uncertain significance (3). Last evaluated 2025-02-10.

Conditions:
Inborn genetic diseases. Identifiers: MedGen C0950123, MeSH D030342.

Allele frequency attached by ClinVar (database versions not stated): gnomAD exomes 0.00001; gnomAD 0.00003 and 0.00004; TOPMed 0.00004; ESP Exome Variant Server 0.00008; ExAC 0.00009.
gnomAD v4.1: 10 of 1,560,162 alleles (0.00064%); highest among the groups gnomAD compares: African/African-American, 0.011%; no homozygotes.

Submissions (3):

Labcorp Genetics (formerly Invitae), Labcorp
Classification: Uncertain significance. Last evaluated: 2025-02-10. Review status: criteria provided, single submitter. Criteria: Invitae Variant Classification Sherloc (09022015). Collection method: clinical testing. Allele origin: germline.
Comment: This sequence change replaces glycine, which is neutral and non-polar, with aspartic acid, which is acidic and polar, at codon 435 of the TUBGCP6 protein (p.Gly435Asp). This variant is present in population databases (rs368378157, gnomAD 0.02%). This variant has not been reported in the literature in individuals affected with TUBGCP6-related conditions. ClinVar contains an entry for this variant (Variation ID: 212505). An algorithm developed to predict the effect of missense changes on protein structure and function (PolyPhen-2) suggests that this variant is likely to be disruptive. In summary, the available evidence is currently insufficient to determine the role of this variant in disease. Therefore, it has been classified as a Variant of Uncertain Significance.

Ambry Genetics
Classification: Uncertain significance for Inborn genetic diseases. Last evaluated: 2023-03-01. Review status: criteria provided, single submitter. Criteria: Ambry Variant Classification Scheme 2023. Collection method: clinical testing. Allele origin: germline.

Genetic Services Laboratory, University of Chicago
Classification: Uncertain significance. Last evaluated: 2014-12-11. Review status: criteria provided, single submitter. Criteria: ACMG Guidelines, 2015. Collection method: clinical testing. Allele origin: germline.